The following is an entry in ClinVar:

ClinVar aggregate classification (germline): Uncertain significance. Review status: criteria provided, multiple submitters, no conflicts (2 of 4 stars). 2 submissions from 2 submitters: Uncertain significance (2). Last evaluated 2024-12-27.

Conditions:
Inborn genetic diseases. Identifiers: MedGen C0950123, MeSH D030342.

gnomAD v4.1: 7 of 1,613,602 alleles (0.00043%); highest among the groups gnomAD compares: Non-Finnish European, 0.00059%; no homozygotes.

Submissions (2):

GeneDx
Classification: Uncertain significance. Last evaluated: 2024-12-27. Review status: criteria provided, single submitter. Criteria: GeneDx Variant Classification Process June 2021. Collection method: clinical testing. Allele origin: germline. Affected: yes.
Comment: Not observed at significant frequency in large population cohorts (gnomAD); In silico analysis indicates that this missense variant does not alter protein structure/function; Has not been previously published as pathogenic or benign to our knowledge

Ambry Genetics
Classification: Uncertain significance for Inborn genetic diseases. Last evaluated: 2024-05-07. Review status: criteria provided, single submitter. Criteria: Ambry Variant Classification Scheme 2023. Collection method: clinical testing. Allele origin: germline.

NM_001349253.2(SCN11A):c.1278G>T (p.Gln426His)

Gene: SCN11A (sodium voltage-gated channel alpha subunit 11; minus strand). Cytogenetic location: 3p22.2.
Variant type: single nucleotide variant.
Coding change: c.1278G>T on transcript NM_001349253.2 (MANE Select); coding-DNA position 1278, G replaced by T.
Protein change: p.Gln426His; replaces glutamine 426 with histidine.
Molecular consequence: missense variant.
Genome position (GRCh38, 1-based): chr3:38,909,018, C>A on the plus strand (G>T on the coding strand, the complement: SCN11A is on the minus strand). VCF-style: chr3-38909018-C-A. GRCh37 (hg19) VCF-style: chr3-38950509-C-A.
Other names: c.1278G>T, p.Gln426His (NM_014139.3); short protein forms Q426H.
Identifiers: ClinVar variation 3316545 (VCV003316545.2).